The following is an entry in ClinVar:

ClinVar aggregate classification (germline): Uncertain significance (1 of 4 stars; one submission).

Conditions:
Hyperekplexia 3 (HKPX3). Also called: HYPEREKPLEXIA 3, AUTOSOMAL RECESSIVE; HYPEREKPLEXIA 3, AUTOSOMAL DOMINANT. Identifiers: Orphanet 3197, MedGen C3553288, MONDO:0013827, OMIM 614618.

Submission:

Labcorp Genetics (formerly Invitae), Labcorp
Classification: Uncertain significance for Hyperekplexia 3. Last evaluated: 2023-06-29. Review status: criteria provided, single submitter. Criteria: Invitae Variant Classification Sherloc (09022015). Collection method: clinical testing. Allele origin: germline.
Comment: This sequence change replaces lysine, which is basic and polar, with isoleucine, which is neutral and non-polar, at codon 323 of the SLC6A5 protein (p.Lys323Ile). This variant is not present in population databases (gnomAD no frequency). This variant has not been reported in the literature in individuals affected with SLC6A5-related conditions. ClinVar contains an entry for this variant (Variation ID: 1715862). Advanced modeling of protein sequence and biophysical properties (such as structural, functional, and spatial information, amino acid conservation, physicochemical variation, residue mobility, and thermodynamic stability) performed at Invitae indicates that this missense variant is not expected to disrupt SLC6A5 protein function. In summary, the available evidence is currently insufficient to determine the role of this variant in disease. Therefore, it has been classified as a Variant of Uncertain Significance.

NM_004211.5(SLC6A5):c.968A>T (p.Lys323Ile)

Gene: SLC6A5 (solute carrier family 6 member 5; plus strand). Cytogenetic location: 11p15.1.
Variant type: single nucleotide variant.
Coding change: c.968A>T on transcript NM_004211.5 (MANE Select); coding-DNA position 968, A replaced by T.
Protein change: p.Lys323Ile; replaces lysine 323 with isoleucine.
Molecular consequence: missense variant.
Genome position (GRCh38, 1-based): chr11:20,607,635, A>T. VCF-style: chr11-20607635-A-T. GRCh37 (hg19) VCF-style: chr11-20629181-A-T.
Other names: c.266A>T, p.Lys89Ile (NM_001318369.2); short protein forms K323I, K89I.
Identifiers: ClinVar variation 1715862 (VCV001715862.5), dbSNP rs2494107249, ClinGen allele CA379914598.